The following is an entry in ClinVar:

NM_033380.3(COL4A5):c.3809-30A>G

Gene: COL4A5 (collagen type IV alpha 5 chain; plus strand). Cytogenetic location: Xq22.3.
Variant type: single nucleotide variant.
Coding change: c.3809-30A>G on transcript NM_033380.3 (MANE Select); 30 bases into the intron before coding-DNA position 3809, A replaced by G.
Molecular consequence: intron variant.
Genome position (GRCh38, 1-based): chrX:108,677,470, A>G. VCF-style: chrX-108677470-A-G. GRCh37 (hg19) VCF-style: chrX-107920700-A-G.
Other names: c.3791-30A>G (NM_000495.5).
Identifiers: ClinVar variation 4855215 (VCV004855215.1).

ClinVar aggregate classification (germline): Uncertain significance (1 of 4 stars; one submission).

Conditions:
X-linked Alport syndrome (ATS1). Also called: NEPHROPATHY AND DEAFNESS, X-LINKED; COL4A5-Related Nephropathy. Identifiers: Orphanet 63, Orphanet 88917, MedGen C4746986, MONDO:0010520, OMIM 301050.

Submission:

3billion
Classification: Uncertain significance for X-linked Alport syndrome. Last evaluated: 2026-01-06. Review status: criteria provided, single submitter. Criteria: ACMG Guidelines, 2015. Collection method: clinical testing. Allele origin: germline. Affected: yes.
Comment: The variant is not observed in the gnomAD v4.1.0 dataset. Predicted Consequence/Location: Intron variant Therefore, this variant is classified as VUS according to the recommendation of ACMG/AMP guideline.